The following is an entry in ClinVar:

NM_017845.5(COMMD8):c.26T>A (p.Leu9Ter)

Genes: COMMD8 (COMM domain containing 8; minus strand), LOC129992546 (ATAC-STARR-seq lymphoblastoid silent region 15399; plus strand). Cytogenetic location: 4p12.
Variant type: single nucleotide variant.
Coding change: c.26T>A on transcript NM_017845.5 (MANE Select); coding-DNA position 26, T replaced by A.
Protein change: p.Leu9Ter; replaces leucine 9 with a stop codon.
Molecular consequence: nonsense.
Genome position (GRCh38, 1-based): chr4:47,463,626, A>T on the plus strand (T>A on the coding strand, the complement: COMMD8 is on the minus strand). VCF-style: chr4-47463626-A-T. GRCh37 (hg19) VCF-style: chr4-47465643-A-T.
Other names: c.26T>A, p.Leu9Ter (NM_001329668.2); short protein forms L9*.
Identifiers: ClinVar variation 3393477 (VCV003393477.1).

ClinVar aggregate classification (germline): Uncertain significance (1 of 4 stars; one submission).

gnomAD v4.1: 5 of 1,549,034 alleles (0.00032%); highest among the groups gnomAD compares: Non-Finnish European, 0.00044%; no homozygotes.

Submission:

Molecular Diagnostics Laboratory, M Health Fairview: University of Minnesota
Classification: Uncertain significance. Last evaluated: 2024-11-27. Review status: criteria provided, single submitter. Criteria: ACMG Guidelines, 2015. Collection method: clinical testing. Allele origin: germline. Affected: yes.
Comment: seen in trans with a second COMMD8 variant, c.364T>G